The following is an entry in ClinVar:

ClinVar aggregate classification (germline): Uncertain significance (1 of 4 stars; one submission).

Conditions:
Combined immunodeficiency due to DOCK8 deficiency (HIES2). Also called: HYPER-IgE SYNDROME 2, AUTOSOMAL RECESSIVE, WITH RECURRENT INFECTIONS; DOCK8 Deficiency; HYPER-IgE RECURRENT INFECTION SYNDROME 2, AUTOSOMAL RECESSIVE; HIES autosomal recessive; Hyper-IgE recurrent infection syndrome, autosomal recessive. Identifiers: Orphanet 217390, MedGen C4722305, MONDO:0009478, OMIM 243700.

Submission:

Labcorp Genetics (formerly Invitae), Labcorp
Classification: Uncertain significance for Combined immunodeficiency due to DOCK8 deficiency. Last evaluated: 2023-05-15. Review status: criteria provided, single submitter. Criteria: Invitae Variant Classification Sherloc (09022015). Collection method: clinical testing. Allele origin: germline.
Comment: This sequence change replaces valine, which is neutral and non-polar, with alanine, which is neutral and non-polar, at codon 93 of the DOCK8 protein (p.Val93Ala). This variant is not present in population databases (gnomAD no frequency). This variant has not been reported in the literature in individuals affected with DOCK8-related conditions. Advanced modeling of protein sequence and biophysical properties (such as structural, functional, and spatial information, amino acid conservation, physicochemical variation, residue mobility, and thermodynamic stability) performed at Invitae indicates that this missense variant is not expected to disrupt DOCK8 protein function. In summary, the available evidence is currently insufficient to determine the role of this variant in disease. Therefore, it has been classified as a Variant of Uncertain Significance.

NM_203447.4(DOCK8):c.278T>C (p.Val93Ala)

Genes: DOCK8 (dedicator of cytokinesis 8; plus strand), LOC126860552 (BRD4-independent group 4 enhancer GRCh37_chr9:285795-286994; plus strand). Cytogenetic location: 9p24.3.
Variant type: single nucleotide variant.
Coding change: c.278T>C on transcript NM_203447.4 (MANE Select); coding-DNA position 278, T replaced by C.
Protein change: p.Val93Ala; replaces valine 93 with alanine.
Molecular consequence: missense variant.
Genome position (GRCh38, 1-based): chr9:286,582, T>C. VCF-style: chr9-286582-T-C. GRCh37 (hg19) VCF-style: chr9-286582-T-C.
Other names: c.74T>C, p.Val25Ala (NM_001190458.2, NM_001193536.2); short protein forms V25A, V93A.
Identifiers: ClinVar variation 2864488 (VCV002864488.3), dbSNP rs2537559710, ClinGen allele CA372756331.
Genomic context (GRCh38, chr9:286,582, plus strand): 5'-ACAGCCTGGATGTGCAGCTTGCCCAGGAGCTCGGGGACTTCACTGATGACGACTTGGACG[T>C]GGTGTTCACGCCAAAGGAATGTAGGACTTTGCAGCCCTCTTTGCCGGAGGAAGGGTAAAT-3'
Protein context (NP_982272.2, residues 83-103): LGDFTDDDLD[Val93Ala]VFTPKECRTL